The following is an entry in ClinVar:

NM_017849.4(TMEM127):c.312C>G (p.Ile104Met)

Gene: TMEM127 (transmembrane protein 127; minus strand). Cytogenetic location: 2q11.2.
Variant type: single nucleotide variant.
Coding change: c.312C>G on transcript NM_017849.4 (MANE Select); coding-DNA position 312, C replaced by G.
Protein change: p.Ile104Met; replaces isoleucine 104 with methionine.
Molecular consequence: missense variant.
Genome position (GRCh38, 1-based): chr2:96,254,930, G>C on the plus strand (C>G on the coding strand, the complement: TMEM127 is on the minus strand). VCF-style: chr2-96254930-G-C. GRCh37 (hg19) VCF-style: chr2-96920668-G-C.
Other names: c.312C>G, p.Ile104Met (NM_001193304.3); c.312C>G (NM_017849.3); short protein forms I104M.
Identifiers: ClinVar variation 1055042 (VCV001055042.11), dbSNP rs2104287512, ClinGen allele CA347653485.

ClinVar aggregate classification (germline): Uncertain significance. Review status: criteria provided, multiple submitters, no conflicts (2 of 4 stars). 3 submissions from 3 submitters: Uncertain significance (3). Last evaluated 2025-11-18.

Conditions:
Hereditary cancer-predisposing syndrome. Also called: Tumor predisposition; Neoplastic Syndromes, Hereditary; Hereditary Cancer Syndrome; Hereditary neoplastic syndrome. Identifiers: Orphanet 140162, MedGen C0027672, MeSH D009386, MONDO:0015356.
Hereditary pheochromocytoma and paraganglioma. Also called: Hereditary paragangliomas and pheochromocytomas; Hereditary pheochromocytoma-paraganglioma; Hereditary Paraganglioma-Pheochromocytoma Syndromes. Identifiers: Orphanet 29072, MedGen C4274332, MONDO:0017366.

Allele frequency attached by ClinVar (database versions not stated): gnomAD exomes below 0.00001.
gnomAD v4.1: 2 of 1,614,240 alleles (0.00012%); highest among the groups gnomAD compares: Non-Finnish European, 0.000085%; no homozygotes.

Submissions (3):

Labcorp Genetics (formerly Invitae), Labcorp
Classification: Uncertain significance for Hereditary pheochromocytoma and paraganglioma. Last evaluated: 2025-11-18. Review status: criteria provided, single submitter. Criteria: Invitae Variant Classification Sherloc (09022015). Collection method: clinical testing. Allele origin: germline.
Comment: This sequence change replaces isoleucine, which is neutral and non-polar, with methionine, which is neutral and non-polar, at codon 104 of the TMEM127 protein (p.Ile104Met). This variant is not present in population databases (gnomAD no frequency). This variant has not been reported in the literature in individuals affected with TMEM127-related conditions. ClinVar contains an entry for this variant (Variation ID: 1055042). An algorithm developed to predict the effect of missense changes on protein structure and function (PolyPhen-2) suggests that this variant is likely to be disruptive. In summary, the available evidence is currently insufficient to determine the role of this variant in disease. Therefore, it has been classified as a Variant of Uncertain Significance.

Ambry Genetics
Classification: Uncertain significance for Hereditary cancer-predisposing syndrome. Last evaluated: 2024-09-15. Review status: criteria provided, single submitter. Criteria: Ambry Variant Classification Scheme 2023. Collection method: clinical testing. Allele origin: germline.
Comment: The p.I104M variant (also known as c.312C>G), located in coding exon 2 of the TMEM127 gene, results from a C to G substitution at nucleotide position 312. The isoleucine at codon 104 is replaced by methionine, an amino acid with highly similar properties. This amino acid position is conserved. In addition, this alteration is predicted to be deleterious by in silico analysis. Based on the available evidence, the clinical significance of this variant remains unclear.

GeneDx
Classification: Uncertain significance. Last evaluated: 2023-11-26. Review status: criteria provided, single submitter. Criteria: GeneDx Variant Classification Process June 2021. Collection method: clinical testing. Allele origin: germline. Affected: yes.
Comment: Not observed at significant frequency in large population cohorts (gnomAD); In silico analysis supports that this missense variant does not alter protein structure/function; Has not been previously published as pathogenic or benign to our knowledge; This variant is associated with the following publications: (PMID: 21156949)